The following is an entry in ClinVar:

ClinVar aggregate classification (germline): Uncertain significance (1 of 4 stars; one submission).

Submission:

Labcorp Genetics (formerly Invitae), Labcorp
Classification: Uncertain significance. Last evaluated: 2025-09-08. Review status: criteria provided, single submitter. Criteria: Invitae Variant Classification Sherloc (09022015). Collection method: clinical testing. Allele origin: germline.
Comment: This sequence change replaces phenylalanine, which is neutral and non-polar, with serine, which is neutral and polar, at codon 649 of the ANKZF1 protein (p.Phe649Ser). This variant is not present in population databases (gnomAD no frequency). This variant has not been reported in the literature in individuals affected with ANKZF1-related conditions. ClinVar contains an entry for this variant (Variation ID: 3681178). An algorithm developed to predict the effect of missense changes on protein structure and function (PolyPhen-2) suggests that this variant is likely to be disruptive. In summary, the available evidence is currently insufficient to determine the role of this variant in disease. Therefore, it has been classified as a Variant of Uncertain Significance.

NM_018089.3(ANKZF1):c.1946T>C (p.Phe649Ser)

Gene: ANKZF1 (ankyrin repeat and zinc finger peptidyl tRNA hydrolase 1; plus strand). Cytogenetic location: 2q35.
Variant type: single nucleotide variant.
Coding change: c.1946T>C on transcript NM_018089.3 (MANE Select); coding-DNA position 1946, T replaced by C.
Protein change: p.Phe649Ser; replaces phenylalanine 649 with serine.
Molecular consequence: missense variant.
Genome position (GRCh38, 1-based): chr2:219,235,850, T>C. VCF-style: chr2-219235850-T-C. GRCh37 (hg19) VCF-style: chr2-220100572-T-C.
Other names: c.1946T>C, p.Phe649Ser (NM_001042410.2); c.1316T>C, p.Phe439Ser (NM_001282792.2); short protein forms F439S, F649S.
Identifiers: ClinVar variation 3681178 (VCV003681178.2).